The following is an entry in ClinVar:

NM_031844.3(HNRNPU):c.441C>A (p.Asp147Glu)

Gene: HNRNPU (heterogeneous nuclear ribonucleoprotein U; minus strand). Cytogenetic location: 1q44.
Variant type: single nucleotide variant.
Coding change: c.441C>A on transcript NM_031844.3 (MANE Select); coding-DNA position 441, C replaced by A.
Protein change: p.Asp147Glu; replaces aspartic acid 147 with glutamic acid.
Molecular consequence: missense variant.
Genome position (GRCh38, 1-based): chr1:244,863,867, G>T on the plus strand (C>A on the coding strand, the complement: HNRNPU is on the minus strand). VCF-style: chr1-244863867-G-T. GRCh37 (hg19) VCF-style: chr1-245027169-G-T.
Other names: c.441C>A, p.Asp147Glu (NM_004501.3); short protein forms D147E.
Identifiers: ClinVar variation 1057298 (VCV001057298.9), dbSNP rs539279281, ClinGen allele CA345497097.
Genomic context (GRCh38, chr1:244,863,867, plus strand): 5'-CGCCGGCGGTTGAGGCTGCTGCTCCCCGTGCCCGTTCTCGTCGCCCGCGCCTTCCTCTTC[G>T]TCCCCGAGCTCATCTTCCCCTTCCTGGAAACCCTGATCGTCGCCGTTCTCGTCTTCCGAG-3'
Protein context (NP_114032.2, residues 137-157): GFQEGEDELG[Asp147Glu]EEEGAGDENG

ClinVar aggregate classification (germline): Uncertain significance (1 of 4 stars; one submission).

Conditions:
Developmental and epileptic encephalopathy, 54. Also called: HNRNPU-Related Neurodevelopmental Disorder; Epileptic encephalopathy, early infantile, 54. Identifiers: MedGen C4479319, MONDO:0033363, OMIM 617391.

gnomAD v4.1: 3 of 1,612,930 alleles (0.00019%); highest among the groups gnomAD compares: African/African-American, 0.004%; no homozygotes.

Submission:

Labcorp Genetics (formerly Invitae), Labcorp
Classification: Uncertain significance for Developmental and epileptic encephalopathy, 54. Last evaluated: 2022-03-19. Review status: criteria provided, single submitter. Criteria: Invitae Variant Classification Sherloc (09022015). Collection method: clinical testing. Allele origin: germline.
Comment: ClinVar contains an entry for this variant (Variation ID: 1057298). Algorithms developed to predict the effect of missense changes on protein structure and function output the following: SIFT: "Tolerated"; PolyPhen-2: "Possibly Damaging"; Align-GVGD: "Class C0". The glutamic acid amino acid residue is found in multiple mammalian species, which suggests that this missense change does not adversely affect protein function. In summary, the available evidence is currently insufficient to determine the role of this variant in disease. Therefore, it has been classified as a Variant of Uncertain Significance. This missense change has been observed in individual(s) with clinical features of HNRNPU-related conditions (Invitae). This sequence change replaces aspartic acid, which is acidic and polar, with glutamic acid, which is acidic and polar, at codon 147 of the HNRNPU protein (p.Asp147Glu). This variant is present in population databases (no rsID available, gnomAD 0.02%).